The following is an entry in ClinVar:

NM_001271.4(CHD2):c.3913C>G (p.Pro1305Ala)

Gene: CHD2 (chromodomain helicase DNA binding protein 2; plus strand). Cytogenetic location: 15q26.1.
Variant type: single nucleotide variant.
Coding change: c.3913C>G on transcript NM_001271.4 (MANE Select); coding-DNA position 3913, C replaced by G.
Protein change: p.Pro1305Ala; replaces proline 1305 with alanine.
Molecular consequence: missense variant.
Genome position (GRCh38, 1-based): chr15:92,998,526, C>G. VCF-style: chr15-92998526-C-G. GRCh37 (hg19) VCF-style: chr15-93541756-C-G.
Other names: short protein forms P1305A.
Identifiers: ClinVar variation 2862527 (VCV002862527.3), dbSNP rs2505593843, ClinGen allele CA393899295.
Genomic context (GRCh38, chr15:92,998,526, plus strand): 5'-GTGGCGGGTGCTTCTCTTCCTTTCTTGTTGAAGATTCTGCCGGTGGAGACAGATAAAAAG[C>G]CTCAGGGGAAGCAGCTACAGACCCGAGCGGATTACTTGTTGAAGCTGCTCAGAAAGGGTC-3'
Protein context (NP_001262.3, residues 1295-1315): KILPVETDKK[Pro1305Ala]QGKQLQTRAD

ClinVar aggregate classification (germline): Uncertain significance (1 of 4 stars; one submission).

Conditions:
Developmental and epileptic encephalopathy 94 (DEE94). Also called: CHD2-Related Neurodevelopmental Disorders; Epileptic encephalopathy, childhood-onset. Identifiers: Orphanet 1942, Orphanet 2382, MedGen C3809278, MONDO:0014150, OMIM 615369.

Submission:

Labcorp Genetics (formerly Invitae), Labcorp
Classification: Uncertain significance for Developmental and epileptic encephalopathy 94. Last evaluated: 2023-05-19. Review status: criteria provided, single submitter. Criteria: Invitae Variant Classification Sherloc (09022015). Collection method: clinical testing. Allele origin: germline.
Comment: In summary, the available evidence is currently insufficient to determine the role of this variant in disease. Therefore, it has been classified as a Variant of Uncertain Significance. Advanced modeling of protein sequence and biophysical properties (such as structural, functional, and spatial information, amino acid conservation, physicochemical variation, residue mobility, and thermodynamic stability) has been performed at Invitae for this missense variant, however the output from this modeling did not meet the statistical confidence thresholds required to predict the impact of this variant on CHD2 protein function. This variant has not been reported in the literature in individuals affected with CHD2-related conditions. This variant is not present in population databases (gnomAD no frequency). This sequence change replaces proline, which is neutral and non-polar, with alanine, which is neutral and non-polar, at codon 1305 of the CHD2 protein (p.Pro1305Ala).